The following is an entry in ClinVar:

NM_001040108.2(MLH3):c.2031G>A (p.Thr677=)

Gene: MLH3 (mutL homolog 3; minus strand). Cytogenetic location: 14q24.3.
Variant type: single nucleotide variant.
Coding change: c.2031G>A on transcript NM_001040108.2 (MANE Select); coding-DNA position 2031, G replaced by A.
Protein change: p.Thr677=; no amino-acid change (threonine 677 retained).
Molecular consequence: synonymous variant.
Genome position (GRCh38, 1-based): chr14:75,047,625, C>T on the plus strand (G>A on the coding strand, the complement: MLH3 is on the minus strand). VCF-style: chr14-75047625-C-T. GRCh37 (hg19) VCF-style: chr14-75514328-C-T.
Other names: c.2031G>A, p.Thr677= (NM_014381.3).
Identifiers: ClinVar variation 1105918 (VCV001105918.12), dbSNP rs761342748, ClinGen allele CA7275773.

ClinVar aggregate classification (germline): Benign/Likely benign. Review status: criteria provided, multiple submitters, no conflicts (2 of 4 stars). 3 submissions from 3 submitters: Benign (1); Likely benign (2). Last evaluated 2026-05-04.

Conditions:
Colorectal cancer, hereditary nonpolyposis, type 7. Identifiers: Orphanet 144, MedGen C1858380, MONDO:0013725, OMIM 614385.

Allele frequency attached by ClinVar (database versions not stated): gnomAD exomes 0.00001 and 0.00002; TOPMed below 0.00001; ExAC 0.00002; gnomAD 0.00001.
gnomAD v4.1: 29 of 1,613,836 alleles (0.0018%); highest among the groups gnomAD compares: Admixed American, 0.005%; no homozygotes.

Submissions (3):

Myriad Genetics, Inc.
Classification: Benign for Colorectal cancer, hereditary nonpolyposis, type 7. Last evaluated: 2026-05-04. Review status: criteria provided, single submitter. Criteria: Myriad Autosomal Dominant, Autosomal Recessive and X-Linked Classification Criteria (2023). Collection method: clinical testing. Allele origin: unknown.
Comment: This variant is considered benign. This variant is a silent/synonymous amino acid change and it is not expected to impact splicing.

Labcorp Genetics (formerly Invitae), Labcorp
Classification: Likely benign for Colorectal cancer, hereditary nonpolyposis, type 7. Last evaluated: 2025-04-28. Review status: criteria provided, single submitter. Criteria: Invitae Variant Classification Sherloc (09022015). Collection method: clinical testing. Allele origin: germline.

Ambry Genetics
Classification: Likely benign. Last evaluated: 2022-04-19. Review status: criteria provided, single submitter. Criteria: Ambry Variant Classification Scheme 2023. Collection method: clinical testing. Allele origin: germline.